The following is an entry in ClinVar:

ClinVar aggregate classification (germline): Conflicting classifications of pathogenicity. Review status: criteria provided, conflicting classifications (1 of 4 stars). 3 submissions from 3 submitters: Uncertain significance (2); Likely benign (1). Last evaluated 2024-01-22.

Conditions:
CHARGE syndrome (CHARGE). Also called: Hittner Hirsch Kreh syndrome; Coloboma, heart anomaly, choanal atresia, retardation, genital and ear anomalies; CHARGE association; Hall-Hittner syndrome; CHARGE ASSOCIATION--COLOBOMA, HEART ANOMALY, CHOANAL ATRESIA, RETARDATION, GENITAL AND EAR ANOMALIES. Identifiers: Orphanet 138, MedGen C0265354, MONDO:0008965.

Allele frequency attached by ClinVar (database versions not stated): gnomAD exomes below 0.00001; TOPMed below 0.00001; gnomAD 0.00001.
gnomAD v4.1: 3 of 1,596,578 alleles (0.00019%); highest among the groups gnomAD compares: Admixed American, 0.0052%; no homozygotes.

Submissions (3):

Women's Health and Genetics/Laboratory Corporation of America, LabCorp
Classification: Uncertain significance. Last evaluated: 2024-01-22. Review status: criteria provided, single submitter. Criteria: LabCorp Variant Classification Summary - May 2015. Collection method: clinical testing. Allele origin: germline.
Comment: Variant summary: CHD7 c.7140C>G (p.Ile2380Met) results in a conservative amino acid change in the encoded protein sequence. Five of five in-silico tools predict a benign effect of the variant on protein function. The variant allele was found at a frequency of 4.5e-06 in 219906 control chromosomes. The available data on variant occurrences in the general population are insufficient to allow any conclusion about variant significance. To our knowledge, no occurrence of c.7140C>G in individuals affected with Hypogonadotropic Hypogonadism 5 With Or Without Anosmia and no experimental evidence demonstrating its impact on protein function have been reported. ClinVar contains an entry for this variant (Variation ID: 546334). Based on the evidence outlined above, the variant was classified as uncertain significance.

Labcorp Genetics (formerly Invitae), Labcorp
Classification: Likely benign for CHARGE syndrome. Last evaluated: 2023-07-07. Review status: criteria provided, single submitter. Criteria: Invitae Variant Classification Sherloc (09022015). Collection method: clinical testing. Allele origin: germline.

GeneDx
Classification: Uncertain significance. Last evaluated: 2018-05-17. Review status: criteria provided, single submitter. Criteria: GeneDx Variant Classification (06012015). Collection method: clinical testing. Allele origin: germline. Affected: yes.
Comment: The I2380M variant has not been published as a pathogenic variant, nor has it been reported as a benign variant to our knowledge. The variant is not observed at a significant frequency in large population cohorts (Lek et al., 2016). I2380M is a conservative amino acid substitution, which is not likely to impact secondary protein structure as these residues share similar properties. In-silico analyses, including protein predictors and evolutionary conservation, support that this variant does not alter protein structure/function. Additionally, few pathogenic missense variants have been reported in CHARGE syndrome, as most pathogenic variants introduce a premature termination codon. In summary, based on the currently available information, it is unclear whether this variant is a pathogenic variant or a rare benign variant.

NM_017780.4(CHD7):c.7140C>G (p.Ile2380Met)

Gene: CHD7 (chromodomain helicase DNA binding protein 7; plus strand). Cytogenetic location: 8q12.2.
Variant type: single nucleotide variant.
Coding change: c.7140C>G on transcript NM_017780.4 (MANE Select); coding-DNA position 7140, C replaced by G.
Protein change: p.Ile2380Met; replaces isoleucine 2380 with methionine.
Molecular consequence: missense variant. On other transcripts: intron variant (1).
Genome position (GRCh38, 1-based): chr8:60,856,178, C>G. VCF-style: chr8-60856178-C-G. GRCh37 (hg19) VCF-style: chr8-61768737-C-G.
Other names: c.1717-6051C>G (NM_001316690.1); c.7140C>G (LRG_176t1); short protein forms I2380M.
Identifiers: ClinVar variation 546334 (VCV000546334.7), dbSNP rs1287878235, ClinGen allele CA371299341.